The following is an entry in ClinVar:

NM_000486.6(AQP2):c.*2795T>G

Genes: AQP2 (aquaporin 2; plus strand), AQP5-AS1 (AQP5 and AQP2 antisense RNA 2; minus strand). Cytogenetic location: 12q13.12.
Variant type: single nucleotide variant.
Coding change: c.*2795T>G on transcript NM_000486.6 (MANE Select); 2795 bases downstream of the stop codon, T replaced by G.
Molecular consequence: 3 prime UTR variant.
Genome position (GRCh38, 1-based): chr12:49,958,403, T>G. VCF-style: chr12-49958403-T-G. GRCh37 (hg19) VCF-style: chr12-50352186-T-G.
Identifiers: ClinVar variation 309267 (VCV000309267.5), dbSNP rs1077521, ClinGen allele CA10642601.

ClinVar aggregate classification (germline): Benign (1 of 4 stars; one submission).

Conditions:
Diabetes insipidus, nephrogenic, autosomal (NDI2). Also called: Nephrogenic Diabetes Insipidus, Type II; Diabetes insipidus, nephrogenic, 2, autosomal. Identifiers: Orphanet 223, MedGen C1563706, MONDO:0007451, OMIM 125800.

Allele frequency attached by ClinVar (database versions not stated): TOPMed 0.00148; gnomAD 0.00264 and 0.00330; 1000 Genomes Project 30x 0.00796; 1000 Genomes Project 0.00919.

Submission:

Illumina Laboratory Services, Illumina
Classification: Benign for Diabetes insipidus, nephrogenic, autosomal. Last evaluated: 2018-01-13. Review status: criteria provided, single submitter. Criteria: ICSL Variant Classification Criteria 13 December 2019. Collection method: clinical testing. Allele origin: germline.
Comment: This variant was observed in the ICSL laboratory as part of a predisposition screen in an ostensibly healthy population. It had not been previously curated by ICSL or reported in the Human Gene Mutation Database (HGMD: prior to June 1st, 2018), and was therefore a candidate for classification through an automated scoring system. Utilizing variant allele frequency, disease prevalence and penetrance estimates, and inheritance mode, an automated score was calculated to assess if this variant is too frequent to cause the disease. Based on the score and internal cut-off values, a variant classified as benign is not then subjected to further curation. The score for this variant resulted in a classification of benign for this disease.